The following is an entry in ClinVar:

ClinVar aggregate classification (germline): Conflicting classifications of pathogenicity. Review status: criteria provided, conflicting classifications (1 of 4 stars). 3 submissions from 3 submitters: Uncertain significance (2); Likely benign (1). Last evaluated 2025-12-01.

gnomAD v4.1: 281 of 1,613,624 alleles (0.017%); highest among the groups gnomAD compares: Non-Finnish European, 0.022%; 1 homozygote.

Submissions (3):

CeGaT Center for Human Genetics Tuebingen
Classification: Likely benign. Last evaluated: 2025-12-01. Review status: criteria provided, single submitter. Criteria: CeGaT Center For Human Genetics Tuebingen Variant Classification Criteria Version 2. Collection method: clinical testing. Allele origin: germline. Affected: yes. Observed: 1 variant allele.
Comment: ERMARD: BP4, BS2

Ambry Genetics
Classification: Uncertain significance. Last evaluated: 2025-06-18. Review status: criteria provided, single submitter. Criteria: Ambry Variant Classification Scheme 2023. Collection method: clinical testing. Allele origin: germline.

Labcorp Genetics (formerly Invitae), Labcorp
Classification: Uncertain significance. Last evaluated: 2025-03-11. Review status: criteria provided, single submitter. Criteria: Invitae Variant Classification Sherloc (09022015). Collection method: clinical testing. Allele origin: germline.
Comment: This sequence change replaces valine, which is neutral and non-polar, with methionine, which is neutral and non-polar, at codon 172 of the ERMARD protein (p.Val172Met). This variant is present in population databases (rs149810482, gnomAD 0.02%). This variant has not been reported in the literature in individuals affected with ERMARD-related conditions. Invitae Evidence Modeling of protein sequence and biophysical properties (such as structural, functional, and spatial information, amino acid conservation, physicochemical variation, residue mobility, and thermodynamic stability) indicates that this missense variant is expected to disrupt ERMARD protein function with a positive predictive value of 80%. In summary, the available evidence is currently insufficient to determine the role of this variant in disease. Therefore, it has been classified as a Variant of Uncertain Significance.

NM_018341.3(ERMARD):c.514G>A (p.Val172Met)

Gene: ERMARD (ER membrane associated RNA degradation; plus strand). Cytogenetic location: 6q27.
Variant type: single nucleotide variant.
Coding change: c.514G>A on transcript NM_018341.3 (MANE Select); coding-DNA position 514, G replaced by A.
Protein change: p.Val172Met; replaces valine 172 with methionine.
Molecular consequence: missense variant.
Genome position (GRCh38, 1-based): chr6:169,758,974, G>A. VCF-style: chr6-169758974-G-A. GRCh37 (hg19) VCF-style: chr6-170159070-G-A.
Other names: c.514G>A, p.Val172Met (NM_001278531.2, NM_001278533.2); c.136G>A, p.Val46Met (NM_001278532.2, NM_001410957.1); short protein forms V46M, V172M.
Identifiers: ClinVar variation 4250867 (VCV004250867.7).